The following is an entry in ClinVar:

NM_000179.3(MSH6):c.335A>T (p.Asn112Ile)

Gene: MSH6 (mutS homolog 6; plus strand). Cytogenetic location: 2p16.3.
Variant type: single nucleotide variant.
Coding change: c.335A>T on transcript NM_000179.3 (MANE Select); coding-DNA position 335, A replaced by T.
Protein change: p.Asn112Ile; replaces asparagine 112 with isoleucine.
Molecular consequence: missense variant. On other transcripts: 5 prime UTR variant (2), intron variant (1).
Genome position (GRCh38, 1-based): chr2:47,791,001, A>T. VCF-style: chr2-47791001-A-T. GRCh37 (hg19) VCF-style: chr2-48018140-A-T.
Other names: c.-402A>T (NM_001281493.2); c.-568A>T (NM_001281494.2); c.237+7531A>T (NM_001281492.2); short protein forms N112I.
Identifiers: ClinVar variation 1332026 (VCV001332026.2), dbSNP rs587779934, ClinGen allele CA346736956.

ClinVar aggregate classification (germline): Uncertain significance (1 of 4 stars; one submission).

Conditions:
Hereditary cancer-predisposing syndrome. Also called: Tumor predisposition; Hereditary Cancer Syndrome; Neoplastic Syndromes, Hereditary; Hereditary neoplastic syndrome. Identifiers: Orphanet 140162, MedGen C0027672, MeSH D009386, MONDO:0015356.

gnomAD v4.1: 3 of 1,614,226 alleles (0.00019%); highest among the groups gnomAD compares: Non-Finnish European, 0.00017%; no homozygotes.

Submission:

Color Diagnostics, LLC DBA Color Health
Classification: Uncertain significance for Hereditary cancer-predisposing syndrome. Last evaluated: 2021-05-03. Review status: criteria provided, single submitter. Criteria: ACMG Guidelines, 2015. Collection method: clinical testing. Allele origin: germline.
Comment: This missense variant replaces asparagine with isoleucine at codon 112 of the MSH6 protein. Computational prediction is inconclusive regarding the impact of this variant on protein structure and function (internally defined REVEL score threshold 0.5 < inconclusive < 0.7, PMID: 27666373). To our knowledge, functional studies have not been reported for this variant. This variant has not been reported in individuals affected with hereditary cancer in the literature. This variant has not been identified in the general population by the Genome Aggregation Database (gnomAD). The available evidence is insufficient to determine the role of this variant in disease conclusively. Therefore, this variant is classified as a Variant of Uncertain Significance.